The following is an entry in ClinVar:

NM_002637.4(PHKA1):c.2146A>G (p.Met716Val)

Gene: PHKA1 (phosphorylase kinase regulatory subunit alpha 1; minus strand). Cytogenetic location: Xq13.1.
Variant type: single nucleotide variant.
Coding change: c.2146A>G on transcript NM_002637.4 (MANE Select); coding-DNA position 2146, A replaced by G.
Protein change: p.Met716Val; replaces methionine 716 with valine.
Molecular consequence: missense variant.
Genome position (GRCh38, 1-based): chrX:72,619,297, T>C on the plus strand (A>G on the coding strand, the complement: PHKA1 is on the minus strand). VCF-style: chrX-72619297-T-C. GRCh37 (hg19) VCF-style: chrX-71839147-T-C.
Other names: c.2146A>G (NM_002637.3); c.2146A>G, p.Met716Val (NM_001122670.2); c.1969A>G, p.Met657Val (NM_001172436.2); short protein forms M657V, M716V.
Identifiers: ClinVar variation 1932426 (VCV001932426.6), dbSNP rs782743602, ClinGen allele CA10450752.

ClinVar aggregate classification (germline): Uncertain significance. Review status: criteria provided, multiple submitters, no conflicts (2 of 4 stars). 2 submissions from 2 submitters: Uncertain significance (2). Last evaluated 2025-07-08.

Conditions:
Inborn genetic diseases. Identifiers: MedGen C0950123, MeSH D030342.
Glycogen storage disease IXd (GSD9D). Also called: GSD IXd; Muscle Phosphorylase Kinase Deficiency. Identifiers: Orphanet 715, MedGen C1845151, MONDO:0010362, OMIM 300559.

Allele frequency attached by ClinVar (database versions not stated): ExAC 0.00001; TOPMed 0.00002; gnomAD exomes 0.00004.
gnomAD v4.1: 41 of 1,144,578 alleles (0.0036%); highest among the groups gnomAD compares: Non-Finnish European, 0.0045%; no homozygotes.

Submissions (2):

Labcorp Genetics (formerly Invitae), Labcorp
Classification: Uncertain significance for Glycogen storage disease IXd. Last evaluated: 2025-07-08. Review status: criteria provided, single submitter. Criteria: Invitae Variant Classification Sherloc (09022015). Collection method: clinical testing. Allele origin: germline.
Comment: This sequence change replaces methionine, which is neutral and non-polar, with valine, which is neutral and non-polar, at codon 716 of the PHKA1 protein (p.Met716Val). This variant is present in population databases (rs782743602, gnomAD 0.001%). This variant has not been reported in the literature in individuals affected with PHKA1-related conditions. ClinVar contains an entry for this variant (Variation ID: 1932426). Invitae Evidence Modeling of protein sequence and biophysical properties (such as structural, functional, and spatial information, amino acid conservation, physicochemical variation, residue mobility, and thermodynamic stability) indicates that this missense variant is not expected to disrupt PHKA1 protein function with a negative predictive value of 80%. In summary, the available evidence is currently insufficient to determine the role of this variant in disease. Therefore, it has been classified as a Variant of Uncertain Significance.

Ambry Genetics
Classification: Uncertain significance for Inborn genetic diseases. Last evaluated: 2025-07-03. Review status: criteria provided, single submitter. Criteria: Ambry Variant Classification Scheme 2023. Collection method: clinical testing. Allele origin: germline.